The following is an entry in ClinVar:

ClinVar aggregate classification (germline): Uncertain significance. Review status: criteria provided, multiple submitters, no conflicts (2 of 4 stars). 2 submissions from 2 submitters: Uncertain significance (2). Last evaluated 2023-11-09.

Conditions:
Colorectal cancer, susceptibility to, 1. Also called: COLORECTAL CANCER, SUSCEPTIBILITY TO, ON CHROMOSOME 9; COLORECTAL ADENOMA AND CANCER, SUSCEPTIBILITY TO. Identifiers: MedGen C1837315, MONDO:0012132, OMIM 608812.

gnomAD v4.1: 1 of 1,614,142 alleles (0.000062%); highest among the groups gnomAD compares: Non-Finnish European, 0.000085%; no homozygotes.

Submissions (2):

Baylor Genetics
Classification: Uncertain significance for Colorectal cancer, susceptibility to, 1. Last evaluated: 2023-11-09. Review status: criteria provided, single submitter. Criteria: ACMG Guidelines, 2015. Collection method: clinical testing. Allele origin: unknown.

Ambry Genetics
Classification: Uncertain significance. Last evaluated: 2019-05-01. Review status: criteria provided, single submitter. Criteria: Ambry Variant Classification Scheme 2023. Collection method: clinical testing. Allele origin: germline.
Comment: The p.R579P variant (also known as c.1736G>C), located in coding exon 10 of the GALNT12 gene, results from a G to C substitution at nucleotide position 1736. The arginine at codon 579 is replaced by proline, an amino acid with dissimilar properties. This amino acid position is not well conserved in available vertebrate species. In addition, this alteration is predicted to be tolerated by in silico analysis. Since supporting evidence is limited at this time, the clinical significance of this alteration remains unclear.

NM_024642.5(GALNT12):c.1736G>C (p.Arg579Pro)

Gene: GALNT12 (polypeptide N-acetylgalactosaminyltransferase 12; plus strand). Cytogenetic location: 9q22.33.
Variant type: single nucleotide variant.
Coding change: c.1736G>C on transcript NM_024642.5 (MANE Select); coding-DNA position 1736, G replaced by C.
Protein change: p.Arg579Pro; replaces arginine 579 with proline.
Molecular consequence: missense variant.
Genome position (GRCh38, 1-based): chr9:98,849,082, G>C. VCF-style: chr9-98849082-G-C. GRCh37 (hg19) VCF-style: chr9-101611364-G-C.
Other names: short protein forms R579P.
Identifiers: ClinVar variation 819970 (VCV000819970.5), dbSNP rs367620732, ClinGen allele CA374223401.